The following is an entry in ClinVar:

ClinVar aggregate classification (germline): Uncertain significance. Review status: criteria provided, multiple submitters, no conflicts (2 of 4 stars). 2 submissions from 2 submitters: Uncertain significance (2). Last evaluated 2025-04-12.

Conditions:
Developmental and epileptic encephalopathy, 34 (DEE34). Also called: Early infantile epileptic encephalopathy 34; SLC12A5-Related Epilepsy of Infancy with Migrating Focal Seizures. Identifiers: Orphanet 293181, MedGen C4225257, MONDO:0014718, OMIM 616645.

gnomAD v4.1: 3 of 1,614,236 alleles (0.00019%); highest among the groups gnomAD compares: Non-Finnish European, 0.00025%; no homozygotes.

Submissions (2):

Ambry Genetics
Classification: Uncertain significance. Last evaluated: 2025-04-12. Review status: criteria provided, single submitter. Criteria: Ambry Variant Classification Scheme 2023. Collection method: clinical testing. Allele origin: germline.

Labcorp Genetics (formerly Invitae), Labcorp
Classification: Uncertain significance for Developmental and epileptic encephalopathy, 34. Last evaluated: 2023-10-13. Review status: criteria provided, single submitter. Criteria: Invitae Variant Classification Sherloc (09022015). Collection method: clinical testing. Allele origin: germline.
Comment: This sequence change replaces lysine, which is basic and polar, with asparagine, which is neutral and polar, at codon 250 of the SLC12A5 protein (p.Lys250Asn). This variant is not present in population databases (gnomAD no frequency). This variant has not been reported in the literature in individuals affected with SLC12A5-related conditions. ClinVar contains an entry for this variant (Variation ID: 1391696). Advanced modeling of protein sequence and biophysical properties (such as structural, functional, and spatial information, amino acid conservation, physicochemical variation, residue mobility, and thermodynamic stability) performed at Invitae indicates that this missense variant is expected to disrupt SLC12A5 protein function. Algorithms developed to predict the effect of sequence changes on RNA splicing suggest that this variant may disrupt the consensus splice site. In summary, the available evidence is currently insufficient to determine the role of this variant in disease. Therefore, it has been classified as a Variant of Uncertain Significance.

NM_020708.5(SLC12A5):c.750G>T (p.Lys250Asn)

Gene: SLC12A5 (solute carrier family 12 member 5; plus strand). Cytogenetic location: 20q13.12.
Variant type: single nucleotide variant.
Coding change: c.750G>T on transcript NM_020708.5 (MANE Select); coding-DNA position 750, G replaced by T.
Protein change: p.Lys250Asn; replaces lysine 250 with asparagine.
Molecular consequence: missense variant.
Genome position (GRCh38, 1-based): chr20:46,040,510, G>T. VCF-style: chr20-46040510-G-T. GRCh37 (hg19) VCF-style: chr20-44669149-G-T.
Other names: c.819G>T, p.Lys273Asn (NM_001134771.2); c.819G>T (NM_001134771.1); short protein forms K250N, K273N.
Identifiers: ClinVar variation 1391696 (VCV001391696.9), dbSNP rs777601251, ClinGen allele CA315634632.